The following is an entry in ClinVar:

ClinVar aggregate classification (germline): Uncertain significance (1 of 4 stars; one submission).

Conditions:
Hereditary hemochromatosis (HFE). Identifiers: MedGen C0392514, MONDO:0006507. Disease mechanism: loss of function.

Allele frequency attached by ClinVar (database versions not stated): gnomAD exomes below 0.00001; gnomAD 0.00001.
gnomAD v4.1: 7 of 1,611,158 alleles (0.00043%); highest among the groups gnomAD compares: Non-Finnish European, 0.00059%; no homozygotes.

Submission:

Labcorp Genetics (formerly Invitae), Labcorp
Classification: Uncertain significance for Hereditary hemochromatosis. Last evaluated: 2020-10-23. Review status: criteria provided, single submitter. Criteria: Invitae Variant Classification Sherloc (09022015). Collection method: clinical testing. Allele origin: germline.
Comment: This sequence change falls in intron 2 of the TFR2 gene. It does not directly change the encoded amino acid sequence of the TFR2 protein. It affects a nucleotide within the consensus splice site of the intron. This variant is not present in population databases (ExAC no frequency). This variant has not been reported in the literature in individuals with TFR2-related conditions. Nucleotide substitutions within the consensus splice site are a relatively common cause of aberrant splicing (PMID: 17576681, 9536098). Algorithms developed to predict the effect of sequence changes on RNA splicing suggest that this variant may disrupt the consensus splice site, but this prediction has not been confirmed by published transcriptional studies. In summary, the available evidence is currently insufficient to determine the role of this variant in disease. Therefore, it has been classified as a Variant of Uncertain Significance.

Literature cited by the submitters: PubMed 17576681; PubMed 9536098.

NM_003227.4(TFR2):c.286+4A>C

Gene: TFR2 (transferrin receptor 2; minus strand). Cytogenetic location: 7q22.1.
Variant type: single nucleotide variant.
Coding change: c.286+4A>C on transcript NM_003227.4 (MANE Select); 4 bases into the intron after coding-DNA position 286, A replaced by C.
Molecular consequence: intron variant.
Genome position (GRCh38, 1-based): chr7:100,640,972, T>G on the plus strand (A>C on the coding strand, the complement: TFR2 is on the minus strand). VCF-style: chr7-100640972-T-G. GRCh37 (hg19) VCF-style: chr7-100238595-T-G.
Identifiers: ClinVar variation 1045541 (VCV001045541.4), dbSNP rs1803687135, ClinGen allele CA1105046238.